The following is an entry in ClinVar:

ClinVar aggregate classification (germline): Uncertain significance (1 of 4 stars; one submission).

Conditions:
Joubert syndrome. Also called: CEREBELLOPARENCHYMAL DISORDER IV; JOUBERT-BOLTSHAUSER SYNDROME; Familial aplasia of the vermis. Identifiers: Orphanet 475, MedGen C5979921, MONDO:0018772.
Meckel-Gruber syndrome. Also called: DYSENCEPHALIA SPLANCHNOCYSTICA; GRUBER SYNDROME; Dysencephalia splachnocystica. Identifiers: Orphanet 564, MedGen C0265215, MONDO:0018921.

Submission:

Labcorp Genetics (formerly Invitae), Labcorp
Classification: Uncertain significance for Joubert syndrome; Meckel-Gruber syndrome. Last evaluated: 2022-09-07. Review status: criteria provided, single submitter. Criteria: Invitae Variant Classification Sherloc (09022015). Collection method: clinical testing. Allele origin: germline.
Comment: Algorithms developed to predict the effect of missense changes on protein structure and function are either unavailable or do not agree on the potential impact of this missense change (SIFT: "Deleterious"; PolyPhen-2: "Benign"; Align-GVGD: "Class C0"). In summary, the available evidence is currently insufficient to determine the role of this variant in disease. Therefore, it has been classified as a Variant of Uncertain Significance. This variant has not been reported in the literature in individuals affected with B9D1-related conditions. This variant is not present in population databases (gnomAD no frequency). This sequence change replaces valine, which is neutral and non-polar, with methionine, which is neutral and non-polar, at codon 149 of the B9D1 protein (p.Val149Met).

NM_015681.6(B9D1):c.445G>A (p.Val149Met)

Gene: B9D1 (B9 domain containing 1; minus strand). Cytogenetic location: 17p11.2.
Variant type: single nucleotide variant.
Coding change: c.445G>A on transcript NM_015681.6 (MANE Select); coding-DNA position 445, G replaced by A.
Protein change: p.Val149Met; replaces valine 149 with methionine.
Molecular consequence: missense variant. On other transcripts: intron variant (1).
Genome position (GRCh38, 1-based): chr17:19,343,817, C>T on the plus strand (G>A on the coding strand, the complement: B9D1 is on the minus strand). VCF-style: chr17-19343817-C-T. GRCh37 (hg19) VCF-style: chr17-19247130-C-T.
Other names: c.445G>A, p.Val149Met (NM_001321214.2, NM_001321215.3, NM_001321217.2 and 2 more transcripts); c.85G>A, p.Val29Met (NM_001368769.2); c.404+3452G>A (NM_001321219.2); short protein forms V149M, V29M.
Identifiers: ClinVar variation 2118536 (VCV002118536.4), dbSNP rs2508491872, ClinGen allele CA398694816.
Genomic context (GRCh38, chr17:19,343,817, plus strand): 5'-GGGATGGGGGTAAGAGAGGGGAGGGAGCTTTACCTTCCCGGCCTTCACCCTGAGCCACCA[C>T]CTTGGGGTCTGTGTACTCGGGCCGCCGCCCCATGAACCAGCTGGGAACACAGAAGAACAC-3'
Protein context (NP_056496.1, residues 139-159): GRRPEYTDPK[Val149Met]VAQGEGREVT